The following is an entry in ClinVar:

ClinVar aggregate classification (germline): Likely benign. Review status: criteria provided, multiple submitters, no conflicts (2 of 4 stars). 4 submissions from 4 submitters: Likely benign (4). Last evaluated 2026-01-19.

Conditions:
RASopathy. Also called: Noonan spectrum disorder; rasopathies. Identifiers: Orphanet 536391, MedGen C5555857, MONDO:0021060.
Cardiovascular phenotype. Identifiers: MedGen CN230736.

Allele frequency attached by ClinVar (database versions not stated): gnomAD exomes 0.00002 and 0.00007; ExAC 0.00003; gnomAD 0.00003 and 0.00004; TOPMed 0.00003; ESP Exome Variant Server 0.00008.
gnomAD v4.1: 105 of 1,613,896 alleles (0.0065%); highest among the groups gnomAD compares: Middle Eastern, 0.016%; no homozygotes.

Submissions (4):

Labcorp Genetics (formerly Invitae), Labcorp
Classification: Likely benign for RASopathy. Last evaluated: 2026-01-19. Review status: criteria provided, single submitter. Criteria: Invitae Variant Classification Sherloc (09022015). Collection method: clinical testing. Allele origin: germline.

Blueprint Genetics
Classification: Likely benign. Last evaluated: 2024-11-06. Review status: criteria provided, single submitter. Criteria: ACMG Guidelines, 2015. Collection method: clinical testing. Allele origin: germline.

CeGaT Center for Human Genetics Tuebingen
Classification: Likely benign. Last evaluated: 2023-01-01. Review status: criteria provided, single submitter. Criteria: CeGaT Center For Human Genetics Tuebingen Variant Classification Criteria Version 2. Collection method: clinical testing. Allele origin: germline. Affected: yes. Observed: 1 variant allele.
Comment: NRAS: BP4, BP7

Ambry Genetics
Classification: Likely benign for Cardiovascular phenotype. Last evaluated: 2022-04-09. Review status: criteria provided, single submitter. Criteria: Ambry Variant Classification Scheme 2023. Collection method: clinical testing. Allele origin: germline.

NM_002524.5(NRAS):c.411C>T (p.Tyr137=)

Gene: NRAS (NRAS proto-oncogene, GTPase; minus strand). Cytogenetic location: 1p13.2.
Variant type: single nucleotide variant.
Coding change: c.411C>T on transcript NM_002524.5 (MANE Select); coding-DNA position 411, C replaced by T.
Protein change: p.Tyr137=; no amino-acid change (tyrosine 137 retained).
Molecular consequence: synonymous variant.
Genome position (GRCh38, 1-based): chr1:114,709,608, G>A on the plus strand (C>T on the coding strand, the complement: NRAS is on the minus strand). VCF-style: chr1-114709608-G-A. GRCh37 (hg19) VCF-style: chr1-115252229-G-A.
Identifiers: ClinVar variation 1096908 (VCV001096908.35), dbSNP rs368813470, ClinGen allele CA1020713.